The following is an entry in ClinVar:

ClinVar aggregate classification (germline): Conflicting classifications of pathogenicity. Review status: criteria provided, conflicting classifications (1 of 4 stars). 2 submissions from 2 submitters: Uncertain significance (1); Likely benign (1). Last evaluated 2024-08-20.

Conditions:
Inborn genetic diseases. Identifiers: MedGen C0950123, MeSH D030342.
Immunodeficiency 35 (IMD35). Also called: HIES WITH ATYPICAL MYCOBACTERIOSIS, AUTOSOMAL RECESSIVE; HYPER-IgE SYNDROME WITH ATYPICAL MYCOBACTERIOSIS, AUTOSOMAL RECESSIVE; TYK2 DEFICIENCY; Susceptibility to infection due to TYK2 deficiency. Identifiers: Orphanet 331226, MedGen C1969086, MONDO:0012682, OMIM 611521.

Allele frequency attached by ClinVar (database versions not stated): TOPMed 0.00001; ExAC 0.00003; gnomAD exomes 0.00003 and 0.00006.
gnomAD v4.1: 17 of 1,612,444 alleles (0.0011%); highest among the groups gnomAD compares: Admixed American, 0.028%; no homozygotes.

Submissions (2):

Ambry Genetics
Classification: Likely benign for Inborn genetic diseases. Last evaluated: 2024-08-20. Review status: criteria provided, single submitter. Criteria: Ambry Variant Classification Scheme 2023. Collection method: clinical testing. Allele origin: germline.

Labcorp Genetics (formerly Invitae), Labcorp
Classification: Uncertain significance for Immunodeficiency 35. Last evaluated: 2022-05-26. Review status: criteria provided, single submitter. Criteria: Invitae Variant Classification Sherloc (09022015). Collection method: clinical testing. Allele origin: germline.
Comment: This sequence change replaces phenylalanine, which is neutral and non-polar, with serine, which is neutral and polar, at codon 352 of the TYK2 protein (p.Phe352Ser). This variant is present in population databases (rs778243582, gnomAD 0.04%). This variant has not been reported in the literature in individuals affected with TYK2-related conditions. ClinVar contains an entry for this variant (Variation ID: 1041748). Algorithms developed to predict the effect of missense changes on protein structure and function output the following: SIFT: "Not Available"; PolyPhen-2: "Benign"; Align-GVGD: "Not Available". The serine amino acid residue is found in multiple mammalian species, which suggests that this missense change does not adversely affect protein function. In summary, the available evidence is currently insufficient to determine the role of this variant in disease. Therefore, it has been classified as a Variant of Uncertain Significance.

NM_003331.5(TYK2):c.1055T>C (p.Phe352Ser)

Gene: TYK2 (tyrosine kinase 2; minus strand). Cytogenetic location: 19p13.2.
Variant type: single nucleotide variant.
Coding change: c.1055T>C on transcript NM_003331.5 (MANE Select); coding-DNA position 1055, T replaced by C.
Protein change: p.Phe352Ser; replaces phenylalanine 352 with serine.
Molecular consequence: missense variant. On other transcripts: intron variant (1).
Genome position (GRCh38, 1-based): chr19:10,365,005, A>G on the plus strand (T>C on the coding strand, the complement: TYK2 is on the minus strand). VCF-style: chr19-10365005-A-G. GRCh37 (hg19) VCF-style: chr19-10475681-A-G.
Other names: c.1055T>C (NM_003331.4); c.1055T>C, p.Phe352Ser (NM_001385197.1, NM_001385198.1, NM_001385199.1 and 6 more transcripts); c.965T>C, p.Phe322Ser (NM_001385205.1); c.1012-234T>C (NM_001385201.1); short protein forms F322S, F352S.
Identifiers: ClinVar variation 1041748 (VCV001041748.7), dbSNP rs778243582, ClinGen allele CA9193537.